The following is an entry in ClinVar:

NM_001267550.2(TTN):c.106406_106407del (p.Leu35468_Ser35469insTer)

Genes: TTN (titin; minus strand), TTN-AS1 (TTN antisense RNA 1; plus strand). Cytogenetic location: 2q31.2.
Variant type: Microsatellite.
Coding change: c.106406_106407del on transcript NM_001267550.2 (MANE Select); coding-DNA positions 106406 to 106407, 2 bases deleted (CT; older notation c.106406_106407delCT).
Protein change: p.Leu35468_Ser35469insTer.
Molecular consequence: nonsense.
Genome position (GRCh38, 1-based): chr2:178,530,084-178,530,085, AG deleted on the plus strand (CT on the coding strand, the reverse complement: TTN is on the minus strand); deleting any 2 consecutive bases within chr2:178,530,084-178,530,089 gives the same sequence; the c. name uses the placement nearest the transcript's 3' end. VCF-style (leftmost placement, unchanged base first): chr2-178530083-CAG-C. GRCh37 (hg19) VCF-style: chr2-179394810-CAG-C.
Other names: c.79586_79587del, p.Leu26528_Ser26529insTer (NM_133432.3); c.79787_79788del, p.Leu26595_Ser26596insTer (NM_133437.4); c.101483_101484del, p.Leu33827_Ser33828insTer (NM_001256850.1); c.79211_79212del, p.Leu26403_Ser26404insTer (NM_003319.4); c.98702_98703del, p.Leu32900_Ser32901insTer (NM_133378.4); c.79211_79212delCT (NM_003319.4).
Identifiers: ClinVar variation 4824736 (VCV004824736.1).

ClinVar aggregate classification (germline): Likely pathogenic (1 of 4 stars; one submission).

Conditions:
Cardiovascular phenotype. Identifiers: MedGen CN230736.

Submission:

Ambry Genetics
Classification: Likely pathogenic for Cardiovascular phenotype. Last evaluated: 2026-02-04. Review status: criteria provided, single submitter. Criteria: Ambry Variant Classification Scheme 2023. Collection method: clinical testing. Allele origin: germline.
Comment: The c.79211_79212delCT variant, located in coding exon 186 of the TTN gene, results from a deletion of two nucleotides at nucleotide positions 79211 to 79212, causing a translational frameshift with a predicted alternate stop codon (p.S26404*). This exon is located in the M-band region of the N2-B isoform of the titin protein and is constitutively expressed in TTN transcripts (percent spliced in or PSI 100%). This variant was reported in individual(s) with features consistent with limb-girdle muscular weakness (Krenn M et al. Eur J Neurol, 2022 Jun;29:1815-1824). This variant is considered to be rare based on population cohorts in the Genome Aggregation Database (gnomAD). This variant is expected to result in loss of function by premature protein truncation or nonsense-mediated mRNA decay. While truncating variants in TTN are present in 1-3% of the general population, truncating variants in the M-band have been reported in association with autosomal recessive titinopathies, primarily presenting with skeletal myopathy phenotypes (Ceyhan-Birsoy O et al. Neurology. 2013 Oct 1;81(14):1205-14; De Cid R et al. Neurology. 2015;85(24):2126-35). Truncating variants in coding exon 185 of the M-band of the N2-B isoform have also been specifically associated with autosomal dominant dilated cardiomyopathy (Vatta M et al. Circ GenomPrecis Med. 2025 Feb:e004982). More generally, TTN truncating variants encoded in constitutive exons (PSI >90%) have been found to be significantly associated with dilated cardiomyopathy (DCM) regardless of their position, although truncating variants in the A-band are the most common cause of DCM (Herman DS et al. N. Engl. J. Med., 2012 Feb;366:619-28; Roberts AM et al. Sci Transl Med, 2015 Jan;7:270ra6; Schafer S et al. Nat. Genet., 2017 01;49:46-53; Akhtar MM et al. Circ Heart Fail, 2020 Oct;13:e006832; Massier M et al. Clin Genet, 2025 Jan). Based on the majority of available evidence to date, this variant is likely to be pathogenic in association with autosomal recessive titinopathy; however, the clinical significance of this variant with respect to cardiomyopathy remains unclear.

Literature cited by the submitters: PubMed 35239206.